The following is an entry in ClinVar:

ClinVar aggregate classification (germline): Uncertain significance (1 of 4 stars; one submission).

Submission:

Ambry Genetics
Classification: Uncertain significance. Last evaluated: 2025-08-31. Review status: criteria provided, single submitter. Criteria: Ambry Variant Classification Scheme 2023. Collection method: clinical testing. Allele origin: germline.
Comment: The p.F810L variant (also known as c.2430T>G), located in coding exon 13 of the GEN1 gene, results from a T to G substitution at nucleotide position 2430. The phenylalanine at codon 810 is replaced by leucine, an amino acid with highly similar properties. This amino acid position is conserved. In addition, this alteration is predicted to be tolerated by in silico analysis. Based on the available evidence, the clinical significance of this variant remains unclear.

NM_001130009.3(GEN1):c.2430T>G (p.Phe810Leu)

Gene: GEN1 (GEN1 Holliday junction 5' flap endonuclease; plus strand). Cytogenetic location: 2p24.2.
Variant type: single nucleotide variant.
Coding change: c.2430T>G on transcript NM_001130009.3 (MANE Select); coding-DNA position 2430, T replaced by G.
Protein change: p.Phe810Leu; replaces phenylalanine 810 with leucine.
Molecular consequence: missense variant.
Genome position (GRCh38, 1-based): chr2:17,781,642, T>G. VCF-style: chr2-17781642-T-G. GRCh37 (hg19) VCF-style: chr2-17962909-T-G.
Other names: c.2430T>G, p.Phe810Leu (NM_182625.5); short protein forms F810L.
Identifiers: ClinVar variation 4263115 (VCV004263115.1).